The following is an entry in ClinVar:

ClinVar aggregate classification (germline): Uncertain significance (1 of 4 stars; one submission).

Conditions:
Charcot-Marie-Tooth disease type 2. Also called: Charcot-Marie-Tooth type 2. Identifiers: Orphanet 64746, MedGen C0270914, MONDO:0018993.

gnomAD v4.1: 1 of 1,614,190 alleles (0.000062%); no homozygotes.

Submission:

Labcorp Genetics (formerly Invitae), Labcorp
Classification: Uncertain significance for Charcot-Marie-Tooth disease type 2. Last evaluated: 2022-11-20. Review status: criteria provided, single submitter. Criteria: Invitae Variant Classification Sherloc (09022015). Collection method: clinical testing. Allele origin: germline.
Comment: In summary, the available evidence is currently insufficient to determine the role of this variant in disease. Therefore, it has been classified as a Variant of Uncertain Significance. Algorithms developed to predict the effect of missense changes on protein structure and function (SIFT, PolyPhen-2, Align-GVGD) all suggest that this variant is likely to be tolerated. This variant has not been reported in the literature in individuals affected with LMNA-related conditions. This variant is not present in population databases (gnomAD no frequency). This sequence change replaces lysine, which is basic and polar, with glutamic acid, which is acidic and polar, at codon 261 of the LMNA protein (p.Lys261Glu).

NM_170707.4(LMNA):c.781A>G (p.Lys261Glu)

Gene: LMNA (lamin A/C; plus strand). Cytogenetic location: 1q22.
Variant type: single nucleotide variant.
Coding change: c.781A>G on transcript NM_170707.4 (MANE Select); coding-DNA position 781, A replaced by G.
Protein change: p.Lys261Glu; replaces lysine 261 with glutamic acid.
Molecular consequence: missense variant. On other transcripts: synonymous variant (4).
Genome position (GRCh38, 1-based): chr1:156,134,946, A>G. VCF-style: chr1-156134946-A-G. GRCh37 (hg19) VCF-style: chr1-156104737-A-G.
Other names: c.781A>G, p.Lys261Glu (NM_001406992.1, NM_001282625.2, NM_001282626.2 and 6 more transcripts); c.223A>G, p.Lys75Glu (NM_001406993.1, NM_001406995.1, NM_001406996.1 and 4 more transcripts); c.117A>G, p.Arg39= (NM_001406994.1, NM_001406999.1, NM_001407000.1 and 1 more transcripts); c.445A>G, p.Lys149Glu (NM_001406998.1, NM_001257374.3, NM_001406989.1); c.538A>G, p.Lys180Glu (NM_001282624.2, NM_001406986.1, NM_001406987.1); c.484A>G, p.Lys162Glu (NM_001406988.1); short protein forms K180E, K162E, K75E, K149E, K261E.
Identifiers: ClinVar variation 2900234 (VCV002900234.1), dbSNP rs2527975040, ClinGen allele CA342817394.